The following is an entry in ClinVar:

ClinVar aggregate classification (germline): Uncertain significance (1 of 4 stars; one submission).

Conditions:
CHD7-related CHARGE syndrome. Identifiers: MedGen CN380413, MONDO:1010178, OMIM 214800.

Submission:

3billion
Classification: Uncertain significance for CHD7-related CHARGE syndrome. Last evaluated: 2025-10-19. Review status: criteria provided, single submitter. Criteria: ACMG Guidelines, 2015. Collection method: clinical testing. Allele origin: germline. Affected: yes.
Comment: The variant is not observed in the gnomAD v4.1.0 dataset. Predicted Consequence/Location: Frameshift: predicted to result in a loss or disruption of normal protein function through protein truncation. The predicted truncated protein may be shortened by less than 10%. Therefore, this variant is classified as VUS according to the recommendation of ACMG/AMP guideline.

NM_017780.4(CHD7):c.8572del (p.Glu2858fs)

Gene: CHD7 (chromodomain helicase DNA binding protein 7; plus strand). Cytogenetic location: 8q12.2.
Variant type: Deletion.
Coding change: c.8572del on transcript NM_017780.4 (MANE Select); coding-DNA position 8572, one base deleted (G; older notation c.8572delG).
Protein change: p.Glu2858fs; shifts the reading frame from glutamic acid 2858.
Molecular consequence: frameshift variant.
Genome position (GRCh38, 1-based): chr8:60,865,511, G deleted. VCF-style (leftmost placement, unchanged base first): chr8-60865510-TG-T. GRCh37 (hg19) VCF-style: chr8-61778069-TG-T.
Other names: c.2425del, p.Glu809fs (NM_001316690.1); short protein forms E2858fs, E809fs.
Identifiers: ClinVar variation 4856354 (VCV004856354.1).